The following is an entry in ClinVar:

NM_032043.3(BRIP1):c.2878A>G (p.Ser960Gly)

Gene: BRIP1 (BRCA1 interacting DNA helicase 1; minus strand). Cytogenetic location: 17q23.2.
Variant type: single nucleotide variant.
Coding change: c.2878A>G on transcript NM_032043.3 (MANE Select); coding-DNA position 2878, A replaced by G.
Protein change: p.Ser960Gly; replaces serine 960 with glycine.
Molecular consequence: missense variant.
Genome position (GRCh38, 1-based): chr17:61,685,863, T>C on the plus strand (A>G on the coding strand, the complement: BRIP1 is on the minus strand). VCF-style: chr17-61685863-T-C. GRCh37 (hg19) VCF-style: chr17-59763224-T-C.
Other names: short protein forms S960G.
Identifiers: ClinVar variation 652463 (VCV000652463.9), dbSNP rs1603276532, ClinGen allele CA400481213.

ClinVar aggregate classification (germline): Uncertain significance (1 of 4 stars; one submission).

Conditions:
Familial cancer of breast. Also called: hereditary breast carcinoma; BREAST CANCER, FAMILIAL; Hereditary breast cancer. Identifiers: Orphanet 227535, MedGen C0346153, MONDO:0016419, OMIM 114480. Disease mechanism: loss of function.
Fanconi anemia complementation group J. Also called: BRIP1-Related Fanconi Anemia. Identifiers: Orphanet 84, MedGen C1836860, MONDO:0012187, OMIM 609054.

Allele frequency attached by ClinVar (database versions not stated): gnomAD exomes below 0.00001.
gnomAD v4.1: 1 of 1,613,196 alleles (0.000062%); highest among the groups gnomAD compares: Non-Finnish European, 0.000085%; no homozygotes.

Submission:

Labcorp Genetics (formerly Invitae), Labcorp
Classification: Uncertain significance for Familial cancer of breast; Fanconi anemia complementation group J. Last evaluated: 2018-07-09. Review status: criteria provided, single submitter. Criteria: Invitae Variant Classification Sherloc (09022015). Collection method: clinical testing. Allele origin: germline.
Comment: In summary, the available evidence is currently insufficient to determine the role of this variant in disease. Therefore, it has been classified as a Variant of Uncertain Significance. Algorithms developed to predict the effect of sequence changes on RNA splicing suggest that this variant may create or strengthen a splice site, but this prediction has not been confirmed by published transcriptional studies. Algorithms developed to predict the effect of missense changes on protein structure and function output the following: SIFT: "Tolerated"; PolyPhen-2: "Benign"; Align-GVGD: "Class C0". The glycine amino acid residue is found in multiple mammalian species, suggesting that this missense change does not adversely affect protein function. These predictions have not been confirmed by published functional studies and their clinical significance is uncertain. This variant has not been reported in the literature in individuals with BRIP1-related disease. This variant is not present in population databases (ExAC no frequency). This sequence change replaces serine with glycine at codon 960 of the BRIP1 protein (p.Ser960Gly). The serine residue is weakly conserved and there is a small physicochemical difference between serine and glycine.